The following continues an entry in ClinVar:

NM_002693.3(POLG):c.3286C>T (p.Arg1096Cys)

Gene: POLG. ClinVar aggregate classification (germline): Likely pathogenic. Likely pathogenic (1).

Submissions 6 to 20 of 20:

Women's Health and Genetics/Laboratory Corporation of America, LabCorp
Classification: Pathogenic for Mitochondrial DNA depletion syndrome. Last evaluated: 2024-07-31. Review status: criteria provided, single submitter. Criteria: LabCorp Variant Classification Summary - May 2015. Collection method: clinical testing. Allele origin: germline. Not counted in ClinVar's aggregate classification.
Comment: Variant summary: POLG c.3286C>T (p.Arg1096Cys) results in a non-conservative amino acid change located in the DNA-directed DNA polymerase, family A, palm domain (IPR001098) of the encoded protein sequence. Four of five in-silico tools predict a damaging effect of the variant on protein function. The variant allele was found at a frequency of 8e-06 in 251284 control chromosomes. c.3286C>T has been reported in the literature in multiple individuals affected with autosomal recessive POLG-related disorders and in at least one patient with autosomal dominant progressive external ophthalmoplegia (e.g. Tang_2011, Agostino_2003). These data indicate that the variant is very likely to be associated with disease. A different variant affecting the same codon has been classified as pathogenic by our lab (c.3287G>A, p.Arg1096His), supporting the critical relevance of codon 1096 to POLG protein function. At least one publication reports that this variant causes reduced incorporation efficiency of a correct deoxyribonucleotide triphosphate (dNTP) in vitro (e.gSohl_2013). The following publications have been ascertained in the context of this evaluation (PMID: 12707443, 23208208, 21880868). ClinVar contains an entry for this variant (Variation ID: 206556). While this variant has been observed in individuals affected with autosomal dominant progressive external ophthalmoplegia, the clinical significance of the variant in this condition is currently unclear. Based on the evidence outlined above, this variant is pathogenic for autosomal recessive POLG-related disorders.

Department of Genetics, Sultan Qaboos University Hospital
Classification: Pathogenic for Progressive sclerosing poliodystrophy. Last evaluated: 2024-06-12. Review status: criteria provided, single submitter. Criteria: ACMG Guidelines, 2015. Collection method: curation. Allele origin: unknown. Affected: yes. Not counted in ClinVar's aggregate classification.

Genomic Medicine Center of Excellence, King Faisal Specialist Hospital and Research Centre
Classification: Likely pathogenic for Mitochondrial DNA depletion syndrome 4b. Last evaluated: 2024-03-14. Review status: criteria provided, single submitter. Criteria: ACMG Guidelines, 2015. Collection method: research. Allele origin: germline. Not counted in ClinVar's aggregate classification.

Baylor Genetics
Classification: Pathogenic for Progressive sclerosing poliodystrophy. Last evaluated: 2024-02-19. Review status: criteria provided, single submitter. Criteria: ACMG Guidelines, 2015. Collection method: clinical testing. Allele origin: unknown. Not counted in ClinVar's aggregate classification.

3billion
Classification: Pathogenic for Sensory ataxic neuropathy, dysarthria, and ophthalmoparesis. Last evaluated: 2023-08-14. Review status: criteria provided, single submitter. Criteria: ACMG Guidelines, 2015. Collection method: clinical testing. Allele origin: germline. Affected: yes. Not counted in ClinVar's aggregate classification.
Comment: The variant is observed at an extremely low frequency in the gnomAD v2.1.1 dataset (total allele frequency: 0.001%). Predicted Consequence/Location: Missense variant In silico tool predictions suggest damaging effect of the variant on gene or gene product [REVEL: 0.84 (>=0.6, sensitivity 0.68 and specificity 0.92); 3Cnet: 0.97 (>=0.6, sensitivity 0.72 and precision 0.9)]. Same nucleotide change resulting in same amino acid change has been previously reported as pathogenic/likely pathogenic with strong evidence (ClinVar ID: VCV000206556 /PMID: 12707443 /3billion dataset). The variant has been reported to be in trans with a pathogenic variant as either compound heterozygous or homozygous in at least 2 similarly affected unrelated individuals (PMID: 18487244, 18546365, 21305355, 21880868, 24265579, 27111573, 30021052). Different missense changes at the same codon (p.Arg1096Gly, p.Arg1096His, p.Arg1096Leu) have been reported as pathogenic/likely pathogenic with strong evidence (ClinVar ID: VCV000206555, VCV000206557, VCV000206559 /PMID: 16621917, 29655203). Therefore, this variant is classified as Pathogenic according to the recommendation of ACMG/AMP guideline.

Blueprint Genetics
Classification: Pathogenic for POLG-related disorders. Last evaluated: 2023-08-08. Review status: criteria provided, single submitter. Criteria: ACMG Guidelines, 2015. Collection method: clinical testing. Allele origin: germline. Affected: yes. Observed: 4 variant alleles. Not counted in ClinVar's aggregate classification.

Revvity Omics, Revvity
Classification: Pathogenic. Last evaluated: 2023-04-07. Review status: criteria provided, single submitter. Criteria: ACMG Guidelines, 2015. Collection method: clinical testing. Allele origin: germline. Not counted in ClinVar's aggregate classification.

GeneDx
Classification: Pathogenic. Last evaluated: 2022-01-11. Review status: criteria provided, single submitter. Criteria: GeneDx Variant Classification Process June 2021. Collection method: clinical testing. Allele origin: germline. Affected: yes. Not counted in ClinVar's aggregate classification.
Comment: Reported previously in multiple patients with Alpers syndrome, a clinical presentation suggestive of POLG deficiency, or progressive external ophthalmoplegia (arPEO) and peripheral neuropathy, who were either homozygous for the R1096C variant (Mohamed et al., 2011; Wong et al, 2008; Tang et al., 2011; Ashley et al. 2008) or compound heterozygous for the R1096C variant and another pathogenic variant (Tang et al., 2011; Ashley et al., 2008; Lax et al., 2012); Functional studies have demonstrated that the R1096C variant results in a decreased catalytic efficiency in incorporating correct dNTP into DNA (Sohl et al., 2013); In silico analysis supports that this missense variant has a deleterious effect on protein structure/function; Not observed at significant frequency in large population cohorts (gnomAD); This variant is associated with the following publications: (PMID: 28471437, 29655203, 22189570, 24265579, 21305355, 12707443, 25129007, 23545419, 19578034, 25786813, 20164463, 21880868, 18487244, 23208208, 21138766, 29474836, 30167885, 31521625, 31130284)

Kariminejad - Najmabadi Pathology & Genetics Center
Classification: Pathogenic for Abnormality of the nervous system. Last evaluated: 2021-07-10. Review status: criteria provided, single submitter. Criteria: ACMG Guidelines, 2015. Collection method: clinical testing. Allele origin: germline. Affected: yes. Not counted in ClinVar's aggregate classification.

Institute of Medical Genetics and Applied Genomics, University Hospital Tübingen
Classification: Pathogenic. Last evaluated: 2021-06-17. Review status: criteria provided, single submitter. Criteria: ACMG Guidelines, 2015. Collection method: clinical testing. Allele origin: germline. Inheritance: Autosomal recessive inheritance. Affected: yes. Not counted in ClinVar's aggregate classification.

Fulgent Genetics
Classification: Likely pathogenic for Progressive external ophthalmoplegia with mitochondrial DNA deletions, autosomal dominant 1; Progressive sclerosing poliodystrophy; Progressive external ophthalmoplegia with mitochondrial DNA deletions, autosomal recessive 1; Mitochondrial DNA depletion syndrome 1; Sensory ataxic neuropathy, dysarthria, and ophthalmoparesis; Mitochondrial DNA depletion syndrome 4b. Last evaluated: 2018-10-31. Review status: criteria provided, single submitter. Criteria: ACMG Guidelines, 2015. Collection method: clinical testing. Allele origin: unknown. Not counted in ClinVar's aggregate classification.

Wong Mito Lab, Molecular and Human Genetics, Baylor College of Medicine
Classification: Pathogenic for Progressive sclerosing poliodystrophy. Last evaluated: 2018-10-01. Review status: criteria provided, single submitter. Criteria: ACMG Guidelines, 2015. Collection method: clinical testing. Allele origin: germline. Not counted in ClinVar's aggregate classification.
Comment: The NM_002693.2:c.3286C>T (NP_002684.1:p.Arg1096Cys) [GRCH38: NC_000015.10:g.89318737G>A] variant in POLG gene is interpretated to be a Pathogenic based on ACMG guidelines (PMID: 25741868). This variant has been reported in PMID:12707443 ; 21305355 . This variant meets the following evidence codes reported in the ACMG-guideline. PS1:This variation causes same amino-acid change as an established pathogenic variant. PS3:Well established functional studies show a deleterious effect on POLG. PM2:This variant is absent in key population databases. PM3:Detected in trans with a pathogenic variant for Mitochondrial DNA depletion syndrome 4A (Alpers type) which is a recessive disorder. PP1:This variant is co-segregated with Mitochondrial DNA depletion syndrome 4A (Alpers type) in multiple affected family members. PP4:Patient's phenotype or family history is highly specific for POLG. Based on the evidence criteria codes applied, the variant is suggested to be Pathogenic.

Eurofins Ntd Llc (ga)
Classification: Pathogenic. Last evaluated: 2017-02-08. Review status: criteria provided, single submitter. Criteria: EGL Classification Definitions 2015. Collection method: clinical testing. Allele origin: germline. Not counted in ClinVar's aggregate classification.

PreventionGenetics, part of Exact Sciences
Classification: Pathogenic for POLG-related condition. Last evaluated: 2023-11-01. Review status: no assertion criteria provided. Collection method: clinical testing. Allele origin: germline. Not counted in ClinVar's aggregate classification.
Comment: The POLG c.3286C>T variant is predicted to result in the amino acid substitution p.Arg1096Cys. This variant has been reported to be causative for autosomal recessive POLG-associated disorders such as sensory ataxic neuropathy, dysarthria, and ophthalmoparesis (SANDO), progressive external ophthalmoplegia (PEO) and sensory neuropathy, and Alpers’ Syndrome (Kurt et al. 2012. PMID: 24265579; Lax et al. 2012. PMID: 22189570; Ashley et al. 2008. PMID: 18487244; Hikmat et al. 2017. PubMed ID: 28471437). At least one heterozygous carrier of this particular variant presented with sporadic PEO (Agostino et al. 2003. PMID: 12707443). This variant is reported in 0.0040% of alleles in individuals of African descent in gnomAD. This variant is interpreted as pathogenic.

Center of Excellence in Precision Medicine and Digital Health (CEPMDH), Faculty of Dentistry, Chulalongkorn University
Classification: Pathogenic for Childhood myocerebrohepatopathy spectrum. Review status: no assertion criteria provided. Collection method: research. Allele origin: germline. Inheritance: Autosomal recessive inheritance. Affected: no and yes. Observed: 3 variant alleles, 2 heterozygotes, 1 compound heterozygote. Not counted in ClinVar's aggregate classification.
Comment: The p.Arg1096Cys variant in POLG gene has been previously reported many times with autosomal recessive inheritance pattern. Other reports could be accessed in The POLG Pathogenicity Prediction Server.

Literature cited by the submitters: PubMed 21305355 (cited by 4 submitters); PubMed 21880868 (cited by 4 submitters); PubMed 22189570 (cited by Labcorp Genetics (formerly Invitae), Labcorp); PubMed 24265579 (cited by 3 submitters); PubMed 28471437 (cited by Labcorp Genetics (formerly Invitae), Labcorp and Rady Children's Institute for Genomic Medicine, Rady Children's Hospital San Diego); PubMed 30167885 (cited by Labcorp Genetics (formerly Invitae), Labcorp); PubMed 12707443 (cited by 5 submitters); PubMed 20185557 (cited by Labcorp Genetics (formerly Invitae), Labcorp and Rady Children's Institute for Genomic Medicine, Rady Children's Hospital San Diego); PubMed 23208208 (cited by 3 submitters); PubMed 16621917 (cited by 3 submitters); PubMed 19752458 (cited by Labcorp Genetics (formerly Invitae), Labcorp and Rady Children's Institute for Genomic Medicine, Rady Children's Hospital San Diego); PubMed 18487244 (cited by Rady Children's Institute for Genomic Medicine, Rady Children's Hospital San Diego and 3billion); PubMed 18546365 (cited by Rady Children's Institute for Genomic Medicine, Rady Children's Hospital San Diego and 3billion); PubMed 20301791 (cited by Rady Children's Institute for Genomic Medicine, Rady Children's Hospital San Diego); PubMed 27111573 (cited by Rady Children's Institute for Genomic Medicine, Rady Children's Hospital San Diego and 3billion); PubMed 29655203 (cited by Rady Children's Institute for Genomic Medicine, Rady Children's Hospital San Diego); PubMed 30021052 (cited by Rady Children's Institute for Genomic Medicine, Rady Children's Hospital San Diego and 3billion); PubMed 33562887 (cited by Rady Children's Institute for Genomic Medicine, Rady Children's Hospital San Diego).